The following is an entry in ClinVar:

NM_001999.4(FBN2):c.8733C>G (p.Leu2911=)

Gene: FBN2 (fibrillin 2; minus strand). Cytogenetic location: 5q23.3.
Variant type: single nucleotide variant.
Coding change: c.8733C>G on transcript NM_001999.4 (MANE Select); coding-DNA position 8733, C replaced by G.
Protein change: p.Leu2911=; no amino-acid change (leucine 2911 retained).
Molecular consequence: synonymous variant.
Genome position (GRCh38, 1-based): chr5:128,259,461, G>C on the plus strand (C>G on the coding strand, the complement: FBN2 is on the minus strand). VCF-style: chr5-128259461-G-C. GRCh37 (hg19) VCF-style: chr5-127595153-G-C.
Other names: p.L2911L:CTC>CTG; p.Leu2911=.
Identifiers: ClinVar variation 137357 (VCV000137357.34), dbSNP rs34383505, ClinGen allele CA290906.
Genomic context (GRCh38, chr5:128,259,461, plus strand): 5'-CTTCTGCAGACTGGCTGTGCTAGGATTTGAGCCTGGGCCCAAGTCTGTGAAGGGTTAATA[G>C]AGCTGAATCTGCAGCCTCATTCTGAGAGCCTCCCCAAGCTCCCCTAGGAGGTAGTCATCC-3'
Protein context (NP_001990.2, residues 2901-2912): EALRMRLQIQ[Leu2911=]Y

ClinVar aggregate classification (germline): Benign. Review status: criteria provided, multiple submitters, no conflicts (2 of 4 stars). 10 submissions from 9 submitters: Benign (10). Last evaluated 2026-02-04.

Conditions:
Connective tissue disorder. Also called: Connective tissue disease. Identifiers: MedGen C0009782, MONDO:0003900.
Ehlers-Danlos syndrome (EDS). Identifiers: Orphanet 98249, MedGen C0013720, MONDO:0020066.
Familial thoracic aortic aneurysm and aortic dissection (TAAD). Also called: Thoracic aortic aneurysms and dissections. Identifiers: Orphanet 91387, MedGen C4707243, MONDO:0019625.
Congenital contractural arachnodactyly (CCA). Also called: BEALS SYNDROME; Beals-Hecht syndrome; Arthrogryposis, distal, type 9. Identifiers: Orphanet 115, MedGen C0220668, MONDO:0007363, OMIM 121050.

Allele frequency attached by ClinVar (database versions not stated): gnomAD exomes 0.00223 and 0.00629; ExAC 0.00771; gnomAD 0.02325 and 0.02500; ESP Exome Variant Server 0.02499; 1000 Genomes Project 30x 0.03045; TOPMed 0.02602; 1000 Genomes Project 0.02756.
gnomAD v4.1: 6,932 of 1,613,046 alleles (0.43%); highest among the groups gnomAD compares: African/African-American, 7.9%; 238 homozygotes.

Submissions (10):

Labcorp Genetics (formerly Invitae), Labcorp
Classification: Benign for Congenital contractural arachnodactyly. Last evaluated: 2026-02-04. Review status: criteria provided, single submitter. Criteria: Invitae Variant Classification Sherloc (09022015). Collection method: clinical testing. Allele origin: germline.

ARUP Laboratories, Molecular Genetics and Genomics, ARUP Laboratories
Classification: Benign. Last evaluated: 2023-10-14. Review status: criteria provided, single submitter. Criteria: ARUP Molecular Germline Variant Investigation Process 2024. Collection method: clinical testing. Allele origin: germline.

Genome Diagnostics Laboratory, The Hospital for Sick Children
Classification: Benign for Ehlers-Danlos syndrome. Last evaluated: 2022-06-14. Review status: criteria provided, single submitter. Criteria: ACMG Guidelines, 2015. Collection method: clinical testing. Allele origin: germline.

Genome Diagnostics Laboratory, The Hospital for Sick Children
Classification: Benign for Connective tissue disorder. Last evaluated: 2020-11-24. Review status: criteria provided, single submitter. Criteria: ACMG Guidelines, 2015. Collection method: clinical testing. Allele origin: germline.

Illumina Laboratory Services, Illumina
Classification: Benign for Congenital contractural arachnodactyly. Last evaluated: 2018-01-13. Review status: criteria provided, single submitter. Criteria: ICSL Variant Classification Criteria 13 December 2019. Collection method: clinical testing. Allele origin: germline.
Comment: This variant was observed in the ICSL laboratory as part of a predisposition screen in an ostensibly healthy population. It had not been previously curated by ICSL or reported in the Human Gene Mutation Database (HGMD: prior to June 1st, 2018), and was therefore a candidate for classification through an automated scoring system. Utilizing variant allele frequency, disease prevalence and penetrance estimates, and inheritance mode, an automated score was calculated to assess if this variant is too frequent to cause the disease. Based on the score and internal cut-off values, a variant classified as benign is not then subjected to further curation. The score for this variant resulted in a classification of benign for this disease.

Women's Health and Genetics/Laboratory Corporation of America, LabCorp
Classification: Benign. Last evaluated: 2017-03-29. Review status: criteria provided, single submitter. Criteria: LabCorp Variant Classification Summary - May 2015. Collection method: clinical testing. Allele origin: germline.
Comment: Variant summary: The FBN2 c.8733C>G (p.Leu2911Leu) variant involves the alteration of a non-conserved nucleotide, resulting in a synonymous change. The variant does not lie within a known functional domain and one in silico tool predicts a damaging outcome for this variant. 5/5 splice prediction tools predict no significant impact on normal splicing and ESE finder predicts that this variant may create an SF2/ASF ESE site at the locus. However, these predictions have yet to be confirmed by functional studies. This variant was found in the large control database ExAC at a frequency of 0.0077117 (936/121374 control chromosomes [26 homozygotes]), which is approximately 6169 times the estimated maximal expected allele frequency of a pathogenic FBN2 variant (0.0000013), suggesting this variant is likely a benign polymorphism. In addition, multiple clinical diagnostic laboratories/reputable databases classified this variant as benign. To our knowledge, the variant of interest has not been reported in affected individuals via publications, nor has it been evaluated for functional impact by in vivo/vitro studies. Taken together, this variant is classified as benign.

Ambry Genetics
Classification: Benign for Familial thoracic aortic aneurysm and aortic dissection. Last evaluated: 2015-09-06. Review status: criteria provided, single submitter. Criteria: Ambry Variant Classification Scheme 2023. Collection method: clinical testing. Allele origin: germline.

Mayo Clinic Laboratories, Mayo Clinic
Classification: Benign. Last evaluated: 2014-04-17. Review status: criteria provided, single submitter. Criteria: ACMG Guidelines, 2015. Collection method: clinical testing. Allele origin: germline. Observed: 12 variant alleles.

GeneDx
Classification: Benign. Last evaluated: 2013-07-12. Review status: criteria provided, single submitter. Criteria: GeneDx Variant Classification (06012015). Collection method: clinical testing. Allele origin: germline. Affected: yes.
Comment: This variant is considered likely benign or benign based on one or more of the following criteria: it is a conservative change, it occurs at a poorly conserved position in the protein, it is predicted to be benign by multiple in silico algorithms, and/or has population frequency not consistent with disease.

PreventionGenetics, part of Exact Sciences
Classification: Benign. Review status: criteria provided, single submitter. Criteria: ACMG Guidelines, 2015. Collection method: clinical testing. Allele origin: germline.